The following is an entry in ClinVar:

ClinVar aggregate classification (germline): Uncertain significance (1 of 4 stars; one submission).

Conditions:
Early Myoclonic Encephalopathy. Identifiers: MedGen C0270855.

Allele frequency attached by ClinVar (database versions not stated): gnomAD 0.00001; gnomAD exomes below 0.00001; TOPMed 0.00001.
gnomAD v4.1: 3 of 1,614,134 alleles (0.00019%); highest among the groups gnomAD compares: African/African-American, 0.0013%; no homozygotes.

Submission:

Labcorp Genetics (formerly Invitae), Labcorp
Classification: Uncertain significance for Early Myoclonic Encephalopathy. Last evaluated: 2020-11-17. Review status: criteria provided, single submitter. Criteria: Invitae Variant Classification Sherloc (09022015). Collection method: clinical testing. Allele origin: germline.
Comment: This sequence change replaces threonine with alanine at codon 1526 of the JMJD1C protein (p.Thr1526Ala). The threonine residue is moderately conserved and there is a small physicochemical difference between threonine and alanine. This variant is not present in population databases (ExAC no frequency). This variant has not been reported in the literature in individuals with JMJD1C-related conditions. Algorithms developed to predict the effect of missense changes on protein structure and function output the following: SIFT: "Tolerated"; PolyPhen-2: "Benign"; Align-GVGD: "Class C0". The alanine amino acid residue is found in multiple mammalian species, suggesting that this missense change does not adversely affect protein function. These predictions have not been confirmed by published functional studies and their clinical significance is uncertain. In summary, the available evidence is currently insufficient to determine the role of this variant in disease. Therefore, it has been classified as a Variant of Uncertain Significance.

NM_032776.3(JMJD1C):c.4576A>G (p.Thr1526Ala)

Gene: JMJD1C (jumonji domain containing 1C; minus strand). Cytogenetic location: 10q21.3.
Variant type: single nucleotide variant.
Coding change: c.4576A>G on transcript NM_032776.3 (MANE Select); coding-DNA position 4576, A replaced by G.
Protein change: p.Thr1526Ala; replaces threonine 1526 with alanine.
Molecular consequence: missense variant. On other transcripts: non-coding transcript variant (1).
Genome position (GRCh38, 1-based): chr10:63,207,093, T>C on the plus strand (A>G on the coding strand, the complement: JMJD1C is on the minus strand). VCF-style: chr10-63207093-T-C. GRCh37 (hg19) VCF-style: chr10-64966853-T-C.
Other names: c.4030A>G, p.Thr1344Ala (NM_001282948.2, NM_001318154.2); c.3712A>G, p.Thr1238Ala (NM_001318153.2); c.4462A>G, p.Thr1488Ala (NM_001322252.2); c.3919A>G, p.Thr1307Ala (NM_001322254.2, NM_001322258.2); short protein forms T1238A, T1307A, T1488A, T1344A, T1526A.
Identifiers: ClinVar variation 1470429 (VCV001470429.8), dbSNP rs1177783876, ClinGen allele CA377037081.